The following is an entry in ClinVar:

NM_012448.4(STAT5B):c.1057C>T (p.Arg353Cys)

Gene: STAT5B (signal transducer and activator of transcription 5B; minus strand). Cytogenetic location: 17q21.2.
Variant type: single nucleotide variant.
Coding change: c.1057C>T on transcript NM_012448.4 (MANE Select); coding-DNA position 1057, C replaced by T.
Protein change: p.Arg353Cys; replaces arginine 353 with cysteine.
Molecular consequence: missense variant.
Genome position (GRCh38, 1-based): chr17:42,218,263, G>A on the plus strand (C>T on the coding strand, the complement: STAT5B is on the minus strand). VCF-style: chr17-42218263-G-A. GRCh37 (hg19) VCF-style: chr17-40370281-G-A.
Other names: short protein forms R353C.
Identifiers: ClinVar variation 2179218 (VCV002179218.5), dbSNP rs762833594, ClinGen allele CA8574130.

ClinVar aggregate classification (germline): Uncertain significance. Review status: criteria provided, multiple submitters, no conflicts (2 of 4 stars). 2 submissions from 2 submitters: Uncertain significance (2). Last evaluated 2025-12-18.

Conditions:
Inborn genetic diseases. Identifiers: MedGen C0950123, MeSH D030342.
Growth hormone insensitivity with immune dysregulation 1, autosomal recessive. Also called: GROWTH HORMONE INSENSITIVITY SYNDROME WITH IMMUNE DYSREGULATION 1, AUTOSOMAL RECESSIVE; GROWTH HORMONE INSENSITIVITY DUE TO POSTRECEPTOR DEFECT; LARON SYNDROME DUE TO POSTRECEPTOR DEFECT; Laron syndrome with immunodeficiency. Identifiers: Orphanet 220465, MedGen C5435698, MONDO:0100211, OMIM 245590.

Allele frequency attached by ClinVar (database versions not stated): TOPMed 0.00004; ExAC 0.00005; gnomAD exomes 0.00005; gnomAD 0.00006.
gnomAD v4.1: 79 of 1,614,052 alleles (0.0049%); highest among the groups gnomAD compares: East Asian, 0.058%; no homozygotes.

Submissions (2):

Labcorp Genetics (formerly Invitae), Labcorp
Classification: Uncertain significance for Growth hormone insensitivity with immune dysregulation 1, autosomal recessive. Last evaluated: 2025-12-18. Review status: criteria provided, single submitter. Criteria: Invitae Variant Classification Sherloc (09022015). Collection method: clinical testing. Allele origin: germline.
Comment: This sequence change replaces arginine, which is basic and polar, with cysteine, which is neutral and slightly polar, at codon 353 of the STAT5B protein (p.Arg353Cys). This variant is present in population databases (rs762833594, gnomAD 0.03%). This variant has not been reported in the literature in individuals affected with STAT5B-related conditions. ClinVar contains an entry for this variant (Variation ID: 2179218). Invitae Evidence Modeling of protein sequence and biophysical properties (such as structural, functional, and spatial information, amino acid conservation, physicochemical variation, residue mobility, and thermodynamic stability) indicates that this missense variant is expected to disrupt STAT5B protein function with a positive predictive value of 80%. In summary, the available evidence is currently insufficient to determine the role of this variant in disease. Therefore, it has been classified as a Variant of Uncertain Significance.

Ambry Genetics
Classification: Uncertain significance for Inborn genetic diseases. Last evaluated: 2022-04-13. Review status: criteria provided, single submitter. Criteria: Ambry Variant Classification Scheme 2023. Collection method: clinical testing. Allele origin: germline.